The following is an entry in ClinVar:

ClinVar aggregate classification (germline): Benign/Likely benign. Review status: criteria provided, multiple submitters, no conflicts (2 of 4 stars). 3 submissions from 3 submitters: Benign (1); Likely benign (1). 1 of the submissions does not count toward it. Last evaluated 2025-11-01.

Conditions:
MACF1-related disorder. Also called: MACF1-related condition.

Allele frequency attached by ClinVar (database versions not stated): ExAC 0.00027; 1000 Genomes Project 30x 0.00062; gnomAD 0.00064; 1000 Genomes Project 0.00080; TOPMed 0.00087; ESP Exome Variant Server 0.00108.
gnomAD v4.1: 228 of 1,614,152 alleles (0.014%); highest among the groups gnomAD compares: African/African-American, 0.25%; no homozygotes.

Submissions (3):

Labcorp Genetics (formerly Invitae), Labcorp
Classification: Benign. Last evaluated: 2025-11-01. Review status: criteria provided, single submitter. Criteria: Invitae Variant Classification Sherloc (09022015). Collection method: clinical testing. Allele origin: germline.

Blueprint Genetics
Classification: Likely benign. Last evaluated: 2024-07-05. Review status: criteria provided, single submitter. Criteria: ACMG Guidelines, 2015. Collection method: clinical testing. Allele origin: germline.

PreventionGenetics, part of Exact Sciences
Classification: Likely benign for MACF1-related condition. Last evaluated: 2024-06-18. Review status: no assertion criteria provided. Collection method: clinical testing. Allele origin: germline. Not counted in ClinVar's aggregate classification.
Comment: This variant is classified as likely benign based on ACMG/AMP sequence variant interpretation guidelines (Richards et al. 2015 PMID: 25741868, with internal and published modifications).

NM_001394062.1(MACF1):c.3054A>G (p.Glu1018=)

Gene: MACF1 (microtubule actin crosslinking factor 1; plus strand). Cytogenetic location: 1p34.3.
Variant type: single nucleotide variant.
Coding change: c.3054A>G on transcript NM_001394062.1 (MANE Select); coding-DNA position 3054, A replaced by G.
Protein change: p.Glu1018=; no amino-acid change (glutamic acid 1018 retained).
Molecular consequence: synonymous variant.
Genome position (GRCh38, 1-based): chr1:39,310,382, A>G. VCF-style: chr1-39310382-A-G. GRCh37 (hg19) VCF-style: chr1-39776054-A-G.
Other names: c.3069A>G, p.Glu1023= (NM_012090.5).
Identifiers: ClinVar variation 2074626 (VCV002074626.7), dbSNP rs138972929, ClinGen allele CA779873.